The following is an entry in ClinVar:

ClinVar aggregate classification (germline): Uncertain significance. Review status: criteria provided, multiple submitters, no conflicts (2 of 4 stars). 2 submissions from 2 submitters: Uncertain significance (2). Last evaluated 2024-10-23.

Allele frequency attached by ClinVar (database versions not stated): TOPMed 0.00003; gnomAD 0.00004; gnomAD exomes 0.00006.
gnomAD v4.1: 74 of 1,613,968 alleles (0.0046%); highest among the groups gnomAD compares: Admixed American, 0.025%; no homozygotes.

Submissions (2):

Labcorp Genetics (formerly Invitae), Labcorp
Classification: Uncertain significance. Last evaluated: 2024-10-23. Review status: criteria provided, single submitter. Criteria: Invitae Variant Classification Sherloc (09022015). Collection method: clinical testing. Allele origin: germline.
Comment: This sequence change replaces aspartic acid, which is acidic and polar, with asparagine, which is neutral and polar, at codon 239 of the NOTCH3 protein (p.Asp239Asn). This variant is present in population databases (rs761407832, gnomAD 0.03%). This missense change has been observed in individual(s) with clinical features of NOTCH3-related conditions (PMID: 31915071, 32555735). ClinVar contains an entry for this variant (Variation ID: 1367342). Invitae Evidence Modeling of protein sequence and biophysical properties (such as structural, functional, and spatial information, amino acid conservation, physicochemical variation, residue mobility, and thermodynamic stability) has been performed for this missense variant. However, the output from this modeling did not meet the statistical confidence thresholds required to predict the impact of this variant on NOTCH3 protein function. In summary, the available evidence is currently insufficient to determine the role of this variant in disease. Therefore, it has been classified as a Variant of Uncertain Significance.

Mayo Clinic Laboratories, Mayo Clinic
Classification: Uncertain significance. Last evaluated: 2024-10-16. Review status: criteria provided, single submitter. Criteria: ACMG Guidelines, 2015. Collection method: clinical testing. Allele origin: germline. Observed: 1 variant allele.
Comment: BS2, BP1, PP3

Literature cited by the submitters: PubMed 31915071 (cited by Labcorp Genetics (formerly Invitae), Labcorp and Mayo Clinic Laboratories, Mayo Clinic); PubMed 32555735 (cited by Labcorp Genetics (formerly Invitae), Labcorp and Mayo Clinic Laboratories, Mayo Clinic); PubMed 38520151 (cited by Mayo Clinic Laboratories, Mayo Clinic); PubMed 39201482 (cited by Mayo Clinic Laboratories, Mayo Clinic).

NM_000435.3(NOTCH3):c.715G>A (p.Asp239Asn)

Gene: NOTCH3 (notch receptor 3; minus strand). Cytogenetic location: 19p13.12.
Variant type: single nucleotide variant.
Coding change: c.715G>A on transcript NM_000435.3 (MANE Select); coding-DNA position 715, G replaced by A.
Protein change: p.Asp239Asn; replaces aspartic acid 239 with asparagine.
Molecular consequence: missense variant.
Genome position (GRCh38, 1-based): chr19:15,191,832, C>T on the plus strand (G>A on the coding strand, the complement: NOTCH3 is on the minus strand). VCF-style: chr19-15191832-C-T. GRCh37 (hg19) VCF-style: chr19-15302643-C-T.
Other names: p.Asp239Asn; short protein forms D239N.
Identifiers: ClinVar variation 1367342 (VCV001367342.9), dbSNP rs761407832, ClinGen allele CA9263803.